The following is an entry in ClinVar:

NM_004380.3(CREBBP):c.3839T>G (p.Phe1280Cys)

Gene: CREBBP (CREB binding lysine acetyltransferase; minus strand). Cytogenetic location: 16p13.3.
Variant type: single nucleotide variant.
Coding change: c.3839T>G on transcript NM_004380.3 (MANE Select); coding-DNA position 3839, T replaced by G.
Protein change: p.Phe1280Cys; replaces phenylalanine 1280 with cysteine.
Molecular consequence: missense variant.
Genome position (GRCh38, 1-based): chr16:3,745,352, A>C on the plus strand (T>G on the coding strand, the complement: CREBBP is on the minus strand). VCF-style: chr16-3745352-A-C. GRCh37 (hg19) VCF-style: chr16-3795353-A-C.
Other names: c.3725T>G, p.Phe1242Cys (NM_001079846.1); short protein forms F1242C, F1280C.
Identifiers: ClinVar variation 1405854 (VCV001405854.6), dbSNP rs2151355973, ClinGen allele CA394566887.

ClinVar aggregate classification (germline): Uncertain significance (1 of 4 stars; one submission).

Conditions:
Rubinstein-Taybi syndrome (RSTS). Identifiers: Orphanet 783, MedGen C0035934, MONDO:0019188.

Submission:

Labcorp Genetics (formerly Invitae), Labcorp
Classification: Uncertain significance for Rubinstein-Taybi syndrome. Last evaluated: 2022-03-02. Review status: criteria provided, single submitter. Criteria: Invitae Variant Classification Sherloc (09022015). Collection method: clinical testing. Allele origin: germline.
Comment: In summary, the available evidence is currently insufficient to determine the role of this variant in disease. Therefore, it has been classified as a Variant of Uncertain Significance. Algorithms developed to predict the effect of missense changes on protein structure and function are either unavailable or do not agree on the potential impact of this missense change (SIFT: "Deleterious"; PolyPhen-2: "Not Available"; Align-GVGD: "Class C65"). This variant has not been reported in the literature in individuals affected with CREBBP-related conditions. This variant is not present in population databases (gnomAD no frequency). This sequence change replaces phenylalanine, which is neutral and non-polar, with cysteine, which is neutral and slightly polar, at codon 1280 of the CREBBP protein (p.Phe1280Cys).